The following is an entry in ClinVar:

ClinVar aggregate classification (germline): Pathogenic. Review status: criteria provided, multiple submitters, no conflicts (2 of 4 stars). 2 submissions from 2 submitters: Pathogenic (2). Last evaluated 2025-02-16.

Conditions:
Neonatal-onset encephalopathy with rigidity and seizures. Also called: Lethal neonatal spasticity-epileptic encephalopathy syndrome. Identifiers: Orphanet 435845, MedGen C3281029, MONDO:0013784, OMIM 614498.

Submissions (2):

Laboratory of Genetics, Children's Clinical University Hospital Latvia
Classification: Pathogenic. Last evaluated: 2025-02-16. Review status: criteria provided, single submitter. Criteria: ACMG Guidelines, 2015. Collection method: clinical testing. Allele origin: germline. Affected: yes.

Labcorp Genetics (formerly Invitae), Labcorp
Classification: Pathogenic for Neonatal-onset encephalopathy with rigidity and seizures. Last evaluated: 2023-03-09. Review status: criteria provided, single submitter. Criteria: Invitae Variant Classification Sherloc (09022015). Collection method: clinical testing. Allele origin: germline.
Comment: This sequence change creates a premature translational stop signal (p.Asp190*) in the BRAT1 gene. It is expected to result in an absent or disrupted protein product. Loss-of-function variants in BRAT1 are known to be pathogenic (PMID: 22279524, 25500575). The frequency data for this variant in the population databases is considered unreliable, as metrics indicate poor data quality at this position in the gnomAD database. This variant has not been reported in the literature in individuals affected with BRAT1-related conditions. ClinVar contains an entry for this variant (Variation ID: 2184776). For these reasons, this variant has been classified as Pathogenic.

Literature cited by the submitters: PubMed 22279524 (cited by Labcorp Genetics (formerly Invitae), Labcorp); PubMed 25500575 (cited by Labcorp Genetics (formerly Invitae), Labcorp).

NM_152743.4(BRAT1):c.566dup (p.Gly189_Asp190insTer)

Gene: BRAT1 (BRCA1 associated ATM activator 1; minus strand). Cytogenetic location: 7p22.3.
Variant type: Duplication.
Coding change: c.566dup on transcript NM_152743.4 (MANE Select); coding-DNA position 566, one base duplicated (G; older notation c.566dupG).
Protein change: p.Gly189_Asp190insTer.
Molecular consequence: frameshift variant. On other transcripts: non-coding transcript variant (1).
Genome position (GRCh38, 1-based): chr7:2,543,827, C duplicated on the plus strand (G on the coding strand, the reverse complement: BRAT1 is on the minus strand); the first of 6 consecutive C bases (chr7:2,543,827-2,543,832); duplicating any one gives the same sequence. VCF-style (leftmost placement, unchanged base first): chr7-2543826-A-AC. GRCh37 (hg19) VCF-style: chr7-2583460-A-AC.
Other names: c.566dup, p.Gly189_Asp190insTer (NM_001350626.2); c.41dup, p.Gly14_Asp15insTer (NM_001350627.2).
Identifiers: ClinVar variation 2184776 (VCV002184776.5), dbSNP rs1384976053, ClinGen allele CA572357893.
Genomic context (GRCh38, chr7:2,543,826, plus strand): 5'-CGCGGAGCACAAGGACTCTTCAACGTGATCCATGATCTTCTGGGCACACGCGGGCCAGTC[A>AC]CCCCCCGGCAGGCAGGGCTGCCCCTCGGCTCCACCTCGCATGGACAAAGCCAGGACGTGC-3'